The following is an entry in ClinVar:

ClinVar aggregate classification (germline): Uncertain significance (1 of 4 stars; one submission).

Submission:

Ambry Genetics
Classification: Uncertain significance. Last evaluated: 2025-06-28. Review status: criteria provided, single submitter. Criteria: Ambry Variant Classification Scheme 2023. Collection method: clinical testing. Allele origin: germline.
Comment: The p.L195F variant (also known as c.583C>T), located in coding exon 1 of the EGLN1 gene, results from a C to T substitution at nucleotide position 583. The leucine at codon 195 is replaced by phenylalanine, an amino acid with highly similar properties. This amino acid position is conserved. In addition, this alteration is predicted to be tolerated by in silico analysis. Based on the available evidence, the clinical significance of this variant remains unclear.

NM_022051.3(EGLN1):c.583C>T (p.Leu195Phe)

Gene: EGLN1 (egl-9 family hypoxia inducible factor 1; minus strand). Cytogenetic location: 1q42.2.
Variant type: single nucleotide variant.
Coding change: c.583C>T on transcript NM_022051.3 (MANE Select); coding-DNA position 583, C replaced by T.
Protein change: p.Leu195Phe; replaces leucine 195 with phenylalanine.
Molecular consequence: missense variant.
Genome position (GRCh38, 1-based): chr1:231,421,306, G>A on the plus strand (C>T on the coding strand, the complement: EGLN1 is on the minus strand). VCF-style: chr1-231421306-G-A. GRCh37 (hg19) VCF-style: chr1-231557052-G-A.
Other names: c.583C>T, p.Leu195Phe (NM_001377260.1, NM_001377261.1); short protein forms L195F.
Identifiers: ClinVar variation 4247386 (VCV004247386.1).
Genomic context (GRCh38, chr1:231,421,306, plus strand): 5'-CGAGGAAGTCGTCCACCACACAGATGCCGTGCTTGTTCATGCACGGCACGATGTACTCGA[G>A]CGCCAGCTTCAGCGCCGGCAGGGGCTTCGTCTGCCCGTTGGGCCGCAGGCCGCCGCCGGG-3'
Protein context (NP_071334.1, residues 185-205): TKPLPALKLA[Leu195Phe]EYIVPCMNKH